The following is an entry in ClinVar:

ClinVar aggregate classification (germline): Benign (0 of 4 stars; one submission).

Conditions:
DNAH17-related disorder. Also called: DNAH17-related condition.

Allele frequency attached by ClinVar (database versions not stated): ExAC 0.00217; gnomAD 0.00404; ESP Exome Variant Server 0.00415; TOPMed 0.00435; 1000 Genomes Project 0.00479; 1000 Genomes Project 30x 0.00562.
gnomAD v4.1: 1,213 of 1,598,158 alleles (0.076%); highest among the groups gnomAD compares: African/African-American, 1.4%; 6 homozygotes.

Submission:

PreventionGenetics, part of Exact Sciences
Classification: Benign for DNAH17-related condition. Last evaluated: 2019-06-06. Review status: no assertion criteria provided. Collection method: clinical testing. Allele origin: germline.
Comment: This variant is classified as benign based on ACMG/AMP sequence variant interpretation guidelines (Richards et al. 2015 PMID: 25741868, with internal and published modifications).

NM_173628.4(DNAH17):c.9322G>A (p.Val3108Ile)

Gene: DNAH17 (dynein axonemal heavy chain 17; minus strand). Cytogenetic location: 17q25.3.
Variant type: single nucleotide variant.
Coding change: c.9322G>A on transcript NM_173628.4 (MANE Select); coding-DNA position 9322, G replaced by A.
Protein change: p.Val3108Ile; replaces valine 3108 with isoleucine.
Molecular consequence: missense variant.
Genome position (GRCh38, 1-based): chr17:78,461,561, C>T on the plus strand (G>A on the coding strand, the complement: DNAH17 is on the minus strand). VCF-style: chr17-78461561-C-T. GRCh37 (hg19) VCF-style: chr17-76457643-C-T.
Other names: short protein forms V3108I.
Identifiers: ClinVar variation 3044270 (VCV003044270.2), dbSNP rs36082924, ClinGen allele CA8801410.
Genomic context (GRCh38, chr17:78,461,561, plus strand): 5'-TGCAGCAGCCTTCCTGAAGGCACGCTGGGCTGCCTTCACCTACCTTATTGATGACCTCGA[C>T]CTTGACTTCTTCCTGGTCAGCAATGGCCTTCTCTTTGCTGACCTTCTCGGCCTCGATGCC-3'
Protein context (NP_775899.3, residues 3098-3118): KAIADQEEVK[Val3108Ile]EVINKNVTEK